The following is an entry in ClinVar:

ClinVar aggregate classification (germline): Uncertain significance (1 of 4 stars; one submission).

Conditions:
Chédiak-Higashi syndrome (CHS). Also called: Chediak-Higashi Syndrome. Identifiers: Orphanet 167, MedGen C0007965, MONDO:0008963, OMIM 214500.

Submission:

Labcorp Genetics (formerly Invitae), Labcorp
Classification: Uncertain significance for Chédiak-Higashi syndrome. Last evaluated: 2025-05-13. Review status: criteria provided, single submitter. Criteria: Invitae Variant Classification Sherloc (09022015). Collection method: clinical testing. Allele origin: germline.
Comment: This sequence change replaces glutamic acid, which is acidic and polar, with glycine, which is neutral and non-polar, at codon 226 of the LYST protein (p.Glu226Gly). This variant is not present in population databases (gnomAD no frequency). This variant has not been reported in the literature in individuals affected with LYST-related conditions. ClinVar contains an entry for this variant (Variation ID: 2135141). Invitae Evidence Modeling of protein sequence and biophysical properties (such as structural, functional, and spatial information, amino acid conservation, physicochemical variation, residue mobility, and thermodynamic stability) indicates that this missense variant is not expected to disrupt LYST protein function with a negative predictive value of 80%. In summary, the available evidence is currently insufficient to determine the role of this variant in disease. Therefore, it has been classified as a Variant of Uncertain Significance.

NM_000081.4(LYST):c.677A>G (p.Glu226Gly)

Gene: LYST (lysosomal trafficking regulator; minus strand). Cytogenetic location: 1q42.3.
Variant type: single nucleotide variant.
Coding change: c.677A>G on transcript NM_000081.4 (MANE Select); coding-DNA position 677, A replaced by G.
Protein change: p.Glu226Gly; replaces glutamic acid 226 with glycine.
Molecular consequence: missense variant.
Genome position (GRCh38, 1-based): chr1:235,810,141, T>C on the plus strand (A>G on the coding strand, the complement: LYST is on the minus strand). VCF-style: chr1-235810141-T-C. GRCh37 (hg19) VCF-style: chr1-235973441-T-C.
Other names: c.677A>G, p.Glu226Gly (NM_001301365.1); short protein forms E226G.
Identifiers: ClinVar variation 2135141 (VCV002135141.4), dbSNP rs2527126978, ClinGen allele CA344964696.